The following is an entry in ClinVar:

ClinVar aggregate classification (germline): Uncertain significance. Review status: criteria provided, multiple submitters, no conflicts (2 of 4 stars). 2 submissions from 2 submitters: Uncertain significance (2). Last evaluated 2023-03-08.

Conditions:
Inborn genetic diseases. Identifiers: MedGen C0950123, MeSH D030342.

Allele frequency attached by ClinVar (database versions not stated): gnomAD exomes 0.00001.
gnomAD v4.1: 8 of 1,604,174 alleles (0.0005%); highest among the groups gnomAD compares: Admixed American, 0.0017%; no homozygotes.

Submissions (2):

Blueprint Genetics
Classification: Uncertain significance. Last evaluated: 2023-03-08. Review status: criteria provided, single submitter. Criteria: ACMG Guidelines, 2015. Collection method: clinical testing. Allele origin: germline.

Ambry Genetics
Classification: Uncertain significance for Inborn genetic diseases. Last evaluated: 2019-09-30. Review status: criteria provided, single submitter. Criteria: Ambry Variant Classification Scheme 2023. Collection method: clinical testing. Allele origin: germline.
Comment: The p.R478C variant (also known as c.1432C>T), located in coding exon 6 of the TBC1D24 gene, results from a C to T substitution at nucleotide position 1432. The arginine at codon 478 is replaced by cysteine, an amino acid with highly dissimilar properties. This amino acid position is well conserved in available vertebrate species. In addition, this alteration is predicted to be tolerated by in silico analysis. Since supporting evidence is limited at this time, the clinical significance of this alteration remains unclear.

NM_001199107.2(TBC1D24):c.1432C>T (p.Arg478Cys)

Gene: TBC1D24 (TBC1 domain family member 24; plus strand). Cytogenetic location: 16p13.3.
Variant type: single nucleotide variant.
Coding change: c.1432C>T on transcript NM_001199107.2 (MANE Select); coding-DNA position 1432, C replaced by T.
Protein change: p.Arg478Cys; replaces arginine 478 with cysteine.
Molecular consequence: missense variant.
Genome position (GRCh38, 1-based): chr16:2,500,397, C>T. VCF-style: chr16-2500397-C-T. GRCh37 (hg19) VCF-style: chr16-2550398-C-T.
Other names: c.1414C>T, p.Arg472Cys (NM_020705.3); short protein forms R472C, R478C.
Identifiers: ClinVar variation 1772529 (VCV001772529.3), dbSNP rs1391618286, ClinGen allele CA394380965.